The following is an entry in ClinVar:

NM_153717.3(EVC):c.*820C>T

Gene: EVC (EvC ciliary complex subunit 1; plus strand). Cytogenetic location: 4p16.2.
Variant type: single nucleotide variant.
Coding change: c.*820C>T on transcript NM_153717.3 (MANE Select); 820 bases downstream of the stop codon, C replaced by T.
Molecular consequence: 3 prime UTR variant.
Genome position (GRCh38, 1-based): chr4:5,811,857, C>T. VCF-style: chr4-5811857-C-T. GRCh37 (hg19) VCF-style: chr4-5813584-C-T.
Other names: c.*820C>T (NM_001306090.2).
Identifiers: ClinVar variation 349230 (VCV000349230.6), dbSNP rs137860758, ClinGen allele CA10621391.

ClinVar aggregate classification (germline): Benign. Review status: criteria provided, multiple submitters, no conflicts (2 of 4 stars). 2 submissions from 2 submitters: Benign (2). Last evaluated 2018-01-13.

Conditions:
Ellis-van Creveld syndrome (EVC). Also called: EVC-Related Ellis-van Creveld Syndrome; EVC2-Related Ellis-van Creveld Syndrome; MESOECTODERMAL DYSPLASIA; Chondroectodermal dysplasia. Identifiers: Orphanet 289, MedGen C0013903, MONDO:0009162, OMIM 225500.

Allele frequency attached by ClinVar (database versions not stated): gnomAD 0.01469 and 0.01565; 1000 Genomes Project 0.01777; 1000 Genomes Project 30x 0.01983.

Submissions (2):

Illumina Laboratory Services, Illumina
Classification: Benign for Ellis-van Creveld syndrome. Last evaluated: 2018-01-13. Review status: criteria provided, single submitter. Criteria: ICSL Variant Classification Criteria 13 December 2019. Collection method: clinical testing. Allele origin: germline.
Comment: This variant was observed in the ICSL laboratory as part of a predisposition screen in an ostensibly healthy population. It had not been previously curated by ICSL or reported in the Human Gene Mutation Database (HGMD: prior to June 1st, 2018), and was therefore a candidate for classification through an automated scoring system. Utilizing variant allele frequency, disease prevalence and penetrance estimates, and inheritance mode, an automated score was calculated to assess if this variant is too frequent to cause the disease. Based on the score and internal cut-off values, a variant classified as benign is not then subjected to further curation. The score for this variant resulted in a classification of benign for this disease.

Breakthrough Genomics
Classification: Benign. Review status: criteria provided, single submitter. Criteria: ACMG Guidelines, 2015. Collection method: not provided. Allele origin: germline. Inheritance: Autosomal recessive inheritance. Affected: yes.